The following is an entry in ClinVar:

NM_000465.4(BARD1):c.1587G>C (p.Arg529=)

Gene: BARD1 (BRCA1 associated RING domain 1; minus strand). Cytogenetic location: 2q35.
Variant type: single nucleotide variant.
Coding change: c.1587G>C on transcript NM_000465.4 (MANE Select); coding-DNA position 1587, G replaced by C.
Protein change: p.Arg529=; no amino-acid change (arginine 529 retained).
Molecular consequence: synonymous variant. On other transcripts: non-coding transcript variant (3), intron variant (1).
Genome position (GRCh38, 1-based): chr2:214,752,537, C>G on the plus strand (G>C on the coding strand, the complement: BARD1 is on the minus strand). VCF-style: chr2-214752537-C-G. GRCh37 (hg19) VCF-style: chr2-215617261-C-G.
Other names: c.1530G>C, p.Arg510= (NM_001282543.2); c.234G>C, p.Arg78= (NM_001282545.2); c.177G>C, p.Arg59= (NM_001282548.2); c.365-22029G>C (NM_001282549.2).
Identifiers: ClinVar variation 3378980 (VCV003378980.1).

ClinVar aggregate classification (germline): Benign (1 of 4 stars; one submission).

Conditions:
Familial cancer of breast. Also called: hereditary breast carcinoma; Hereditary breast cancer; BREAST CANCER, FAMILIAL. Identifiers: Orphanet 227535, MedGen C0346153, MONDO:0016419, OMIM 114480. Disease mechanism: loss of function.

Submission:

Myriad Genetics, Inc.
Classification: Benign for Familial cancer of breast. Last evaluated: 2024-07-26. Review status: criteria provided, single submitter. Criteria: Myriad Autosomal Dominant, Autosomal Recessive and X-Linked Classification Criteria (2023). Collection method: clinical testing. Allele origin: unknown.
Comment: This variant is considered benign. This variant is a silent/synonymous amino acid change and it is not expected to impact splicing.